The following is an entry in ClinVar:

ClinVar aggregate classification (germline): Conflicting classifications of pathogenicity. Review status: criteria provided, conflicting classifications (1 of 4 stars). 7 submissions from 7 submitters: Uncertain significance (2); Benign (1); Likely benign (4). Last evaluated 2026-01-06.

Conditions:
Cardiovascular phenotype. Identifiers: MedGen CN230736.
Familial thoracic aortic aneurysm and aortic dissection (TAAD). Also called: Thoracic aortic aneurysms and dissections. Identifiers: Orphanet 91387, MedGen C4707243, MONDO:0019625.
Marfan syndrome (MFS). Also called: MARFAN SYNDROME, TYPE I; Marfan syndrome type 1; Marfan's syndrome; Marfan syndrome, classic; FBN1-Related Marfan Syndrome. Identifiers: Orphanet 284963, Orphanet 558, MedGen C0024796, MONDO:0007947, OMIM 154700.

Allele frequency attached by ClinVar (database versions not stated): gnomAD 0.00005 and 0.00006; ExAC 0.00006; gnomAD exomes 0.00006; ESP Exome Variant Server 0.00008; TOPMed 0.00010.
gnomAD v4.1: 56 of 1,613,902 alleles (0.0035%); highest among the groups gnomAD compares: South Asian, 0.029%; no homozygotes.

Submissions (7):

Labcorp Genetics (formerly Invitae), Labcorp
Classification: Benign for Marfan syndrome; Familial thoracic aortic aneurysm and aortic dissection. Last evaluated: 2026-01-06. Review status: criteria provided, single submitter. Criteria: Invitae Variant Classification Sherloc (09022015). Collection method: clinical testing. Allele origin: germline.

Color Diagnostics, LLC DBA Color Health
Classification: Likely benign for Familial thoracic aortic aneurysm and aortic dissection. Last evaluated: 2024-09-12. Review status: criteria provided, single submitter. Criteria: ACMG Guidelines, 2015. Collection method: clinical testing. Allele origin: germline.

Blueprint Genetics
Classification: Likely benign. Last evaluated: 2024-05-07. Review status: criteria provided, single submitter. Criteria: ACMG Guidelines, 2015. Collection method: clinical testing. Allele origin: germline.

Women's Health and Genetics/Laboratory Corporation of America, LabCorp
Classification: Likely benign. Last evaluated: 2024-01-29. Review status: criteria provided, single submitter. Criteria: LabCorp Variant Classification Summary - May 2015. Collection method: clinical testing. Allele origin: germline.
Comment: Variant summary: FBN1 c.8311G>A (p.Val2771Ile) results in a conservative amino acid change in the encoded protein sequence. Five of five in-silico tools predict a benign effect of the variant on protein function. The observed variant frequency within South Asian control individuals in the gnomAD database is approximately 2.58 fold of the estimated maximal expected allele frequency for a pathogenic variant in FBN1 causing Marfan Syndrome phenotype (0.00011), strongly suggesting that the variant is a benign polymorphism found primarily in populations of South Asian origin. To our knowledge, no occurrence of c.8311G>A in individuals affected with Marfan Syndrome and no experimental evidence demonstrating its impact on protein function have been reported. ClinVar contains an entry for this variant (Variation ID: 36129). Based on the evidence outlined above, the variant was classified as likely benign.

CeGaT Center for Human Genetics Tuebingen
Classification: Likely benign. Last evaluated: 2023-09-01. Review status: criteria provided, single submitter. Criteria: CeGaT Center For Human Genetics Tuebingen Variant Classification Criteria Version 2. Collection method: clinical testing. Allele origin: germline. Affected: yes. Observed: 1 variant allele.
Comment: FBN1: BP4

GeneDx
Classification: Uncertain significance. Last evaluated: 2017-01-23. Review status: criteria provided, single submitter. Criteria: GeneDx Variant Classification (06012015). Collection method: clinical testing. Allele origin: germline. Affected: yes.
Comment: A variant of uncertain significance has been identified in the FBN1 gene. The V2771I variant has not been published as pathogenic or been reported as benign to our knowledge. The V2771I variant is a conservative amino acid substitution, which is not likely to impact secondary protein structure as these residues share similar properties. This substitution occurs at a position where amino acids with similar properties to valine are tolerated across species and where isoleucine is the wild type in multiple species. In silico analysis predicts this variant likely does not alter the protein structure/function. Furthermore, the V2771I variant does not affect a Cysteine residue within a calcium-binding EGF-like domain of the FBN1 gene. Cysteine substitutions in the calcium-binding EGF-like domains represent the majority of pathogenic missense changes associated with Marfan syndrome (Collod-Beroud et al., 2003). Nevertheless, this variant is not observed at a significant frequency in large population cohorts (Lek et al., 2016; Exome Variant Server).

Ambry Genetics
Classification: Uncertain significance for Cardiovascular phenotype. Last evaluated: 2014-02-10. Review status: criteria provided, single submitter. Criteria: Ambry Autosomal Dominant and X-Linked criteria (10/2015). Collection method: clinical testing. Allele origin: germline. Observed: 1 variant allele.
Comment: The p.V2771I variant (also known as c.8311G>A), located in coding exon 65 of the FBN1 gene, results from a G to A substitution at nucleotide position 8311. The valine at codon 2771 is replaced by isoleucine, an amino acid with highly similar properties. This variant was previously reported in the SNPDatabase as rs193922244. Based on data from the NHLBI Exome Sequencing Project (ESP), the A-allele has an overall frequency of approximately 0.01% (1/12,990), having been observed in 0.02% (1/4396) of African American alleles and in none of 8594 European American alleles. Based on protein sequence alignment, this amino acid position is not conserved in available vertebrate species, and isoleucine is the reference amino acid in several species. In addition, this alteration is predicted to be tolerated by in silico analysis. Since supporting evidence is limited at this time, the clinical significance of this variant remains unclear.

Literature cited by the submitters: PubMed 27906200 (cited by Women's Health and Genetics/Laboratory Corporation of America, LabCorp).

NM_000138.5(FBN1):c.8311G>A (p.Val2771Ile)

Gene: FBN1 (fibrillin 1; minus strand). Cytogenetic location: 15q21.1.
Variant type: single nucleotide variant.
Coding change: c.8311G>A on transcript NM_000138.5 (MANE Select); coding-DNA position 8311, G replaced by A.
Protein change: p.Val2771Ile; replaces valine 2771 with isoleucine.
Molecular consequence: missense variant.
Genome position (GRCh38, 1-based): chr15:48,411,295, C>T on the plus strand (G>A on the coding strand, the complement: FBN1 is on the minus strand). VCF-style: chr15-48411295-C-T. GRCh37 (hg19) VCF-style: chr15-48703492-C-T.
Other names: short protein forms V2771I.
Identifiers: ClinVar variation 36129 (VCV000036129.44), dbSNP rs193922244, ClinGen allele CA017685.